The following is an entry in ClinVar:

ClinVar aggregate classification (germline): Uncertain significance (1 of 4 stars; one submission).

Conditions:
Brugada syndrome. Also called: Sudden unexpected nocturnal death syndrome; Sudden unexplained nocturnal death syndrome; Sudden Unexplained Death Syndrome; Sudden Unexplained Nocturnal Death Syndrome (SUNDS). Identifiers: Orphanet 130, MedGen C1142166, MONDO:0015263.

Submission:

Labcorp Genetics (formerly Invitae), Labcorp
Classification: Uncertain significance for Brugada syndrome. Last evaluated: 2025-11-09. Review status: criteria provided, single submitter. Criteria: Invitae Variant Classification Sherloc (09022015). Collection method: clinical testing. Allele origin: germline.
Comment: This sequence change replaces glycine, which is neutral and non-polar, with arginine, which is basic and polar, at codon 417 of the KCNJ8 protein (p.Gly417Arg). This variant is not present in population databases (gnomAD no frequency). This variant has not been reported in the literature in individuals affected with KCNJ8-related conditions. Invitae Evidence Modeling of protein sequence and biophysical properties (such as structural, functional, and spatial information, amino acid conservation, physicochemical variation, residue mobility, and thermodynamic stability) indicates that this missense variant is not expected to disrupt KCNJ8 protein function with a negative predictive value of 95%. In summary, the available evidence is currently insufficient to determine the role of this variant in disease. Therefore, it has been classified as a Variant of Uncertain Significance.

NM_004982.4(KCNJ8):c.1249G>A (p.Gly417Arg)

Genes: KCNJ8 (potassium inwardly rectifying channel subfamily J member 8; minus strand), KCNJ8-AS1 (KCNJ8 antisense RNA 1; plus strand). Cytogenetic location: 12p12.1.
Variant type: single nucleotide variant.
Coding change: c.1249G>A on transcript NM_004982.4 (MANE Select); coding-DNA position 1249, G replaced by A.
Protein change: p.Gly417Arg; replaces glycine 417 with arginine.
Molecular consequence: missense variant.
Genome position (GRCh38, 1-based): chr12:21,765,749, C>T on the plus strand (G>A on the coding strand, the complement: KCNJ8 is on the minus strand). VCF-style: chr12-21765749-C-T. GRCh37 (hg19) VCF-style: chr12-21918683-C-T.
Other names: short protein forms G417R.
Identifiers: ClinVar variation 4801155 (VCV004801155.1).